The following is an entry in ClinVar:

NM_004415.4(DSP):c.1308G>A (p.Gln436=)

Gene: DSP (desmoplakin; plus strand). Cytogenetic location: 6p24.3.
Variant type: single nucleotide variant.
Coding change: c.1308G>A on transcript NM_004415.4 (MANE Select); coding-DNA position 1308, G replaced by A.
Protein change: p.Gln436=; no amino-acid change (glutamine 436 retained).
Molecular consequence: synonymous variant.
Genome position (GRCh38, 1-based): chr6:7,568,478, G>A. VCF-style: chr6-7568478-G-A. GRCh37 (hg19) VCF-style: chr6-7568711-G-A.
Other names: c.1308G>A (LRG_423t1); c.1308G>A, p.Gln436= (NM_001008844.3, NM_001319034.2).
Identifiers: ClinVar variation 387175 (VCV000387175.3), dbSNP rs1057522715, ClinGen allele CA16605129.

ClinVar aggregate classification (germline): Likely benign. Review status: criteria provided, multiple submitters, no conflicts (2 of 4 stars). 3 submissions from 3 submitters: Likely benign (3). Last evaluated 2025-07-08.

Conditions:
Arrhythmogenic cardiomyopathy with wooly hair and keratoderma. Also called: Arrhythmogenic cardiomyopathy with woolly hair and keratoderma; Carvajal syndrome; Dilated cardiomyopathy with woolly hair and keratoderma; PALMOPLANTAR KERATODERMA WITH LEFT VENTRICULAR CARDIOMYOPATHY AND WOOLLY HAIR. Identifiers: Orphanet 65282, MedGen C1854063, MONDO:0011581, OMIM 605676.
Arrhythmogenic right ventricular dysplasia 8 (ARVD8). Also called: ARRHYTHMOGENIC RIGHT VENTRICULAR DYSPLASIA, FAMILIAL, 8; ARRHYTHMOGENIC RIGHT VENTRICULAR CARDIOMYOPATHY 8; Arrhythmogenic Right Ventricular Dysplasia/Cardiomyopathy 8. Identifiers: MedGen C1843896, MONDO:0011831, OMIM 607450.

Submissions (3):

Labcorp Genetics (formerly Invitae), Labcorp
Classification: Likely benign for Arrhythmogenic cardiomyopathy with wooly hair and keratoderma; Arrhythmogenic right ventricular dysplasia 8. Last evaluated: 2025-07-08. Review status: criteria provided, single submitter. Criteria: Invitae Variant Classification Sherloc (09022015). Collection method: clinical testing. Allele origin: germline.

All of Us Research Program, National Institutes of Health
Classification: Likely benign for Arrhythmogenic cardiomyopathy with wooly hair and keratoderma. Last evaluated: 2024-03-14. Review status: criteria provided, single submitter. Criteria: ACMG Guidelines, 2015. Collection method: clinical testing. Allele origin: germline. Inheritance: Autosomal dominant inheritance. Observed: 1 variant allele, 1 heterozygote.
Comment: This study involves interpretation of variants in research participants for the purpose of population health screening. Participant phenotype was not available at the time of variant classification. Additional details can be found in publication PMID: 35346344, PMCID: PMC8962531

GeneDx
Classification: Likely benign. Last evaluated: 2016-06-23. Review status: criteria provided, single submitter. Criteria: GeneDx Variant Classification (06012015). Collection method: clinical testing. Allele origin: germline. Affected: yes.
Comment: This variant is considered likely benign or benign based on one or more of the following criteria: it is a conservative change, it occurs at a poorly conserved position in the protein, it is predicted to be benign by multiple in silico algorithms, and/or has population frequency not consistent with disease.